The following is an entry in ClinVar:

NM_000548.5(TSC2):c.1879C>A (p.His627Asn)

Gene: TSC2 (TSC complex subunit 2; plus strand). Cytogenetic location: 16p13.3.
Variant type: single nucleotide variant.
Coding change: c.1879C>A on transcript NM_000548.5 (MANE Select); coding-DNA position 1879, C replaced by A.
Protein change: p.His627Asn; replaces histidine 627 with asparagine.
Molecular consequence: missense variant. On other transcripts: non-coding transcript variant (5).
Genome position (GRCh38, 1-based): chr16:2,071,549, C>A. VCF-style: chr16-2071549-C-A. GRCh37 (hg19) VCF-style: chr16-2121550-C-A.
Other names: c.535C>A, p.His179Asn (NM_001406697.1, NM_001406696.1, NM_001406689.1 and 6 more transcripts); c.277C>A, p.His93Asn (NM_001406698.1); c.1879C>A, p.His627Asn (NM_021055.3, NM_001077183.3, NM_001114382.3 and 6 more transcripts); c.1768C>A, p.His590Asn (NM_001318827.2, NM_001406670.1, NM_001406678.1); c.1732C>A, p.His578Asn (NM_001318829.2, NM_001406675.1, NM_001406676.1 and 1 more transcripts); c.1279C>A, p.His427Asn (NM_001318831.2, NM_001406684.1, NM_001406685.1 and 6 more transcripts); c.1912C>A, p.His638Asn (NM_001318832.2); c.1969C>A, p.His657Asn (NM_001406667.1, NM_001406668.1); and 3 more; short protein forms H590N, H608N, H623N, H657N, H578N, H627N, H179N, H473N.
Identifiers: ClinVar variation 2844239 (VCV002844239.3), dbSNP rs2151297114, ClinGen allele CA394273099.
Genomic context (GRCh38, chr16:2,071,549, plus strand): 5'-TCACCATCCTCTTCCTGACAGGCCTTTGACTTCCTGTTGCTGCTGCGGGCCGACTCACTG[C>A]ACCGCCTGGGCCTGCCCAACAAGGATGGAGTCGTGCGGTTCAGCCCCTACTGCGTCTGCG-3'
Protein context (NP_000539.2, residues 617-637): FLLLLRADSL[His627Asn]RLGLPNKDGV

ClinVar aggregate classification (germline): Uncertain significance (1 of 4 stars; one submission).

Conditions:
Tuberous sclerosis 2 (TSC2). Identifiers: Orphanet 805, MedGen C1860707, MONDO:0013199, OMIM 613254.

Submission:

Labcorp Genetics (formerly Invitae), Labcorp
Classification: Uncertain significance for Tuberous sclerosis 2. Last evaluated: 2025-05-20. Review status: criteria provided, single submitter. Criteria: Invitae Variant Classification Sherloc (09022015). Collection method: clinical testing. Allele origin: germline.
Comment: This sequence change replaces histidine, which is basic and polar, with asparagine, which is neutral and polar, at codon 627 of the TSC2 protein (p.His627Asn). This variant is not present in population databases (gnomAD no frequency). This variant has not been reported in the literature in individuals affected with TSC2-related conditions. ClinVar contains an entry for this variant (Variation ID: 2844239). Invitae Evidence Modeling of protein sequence and biophysical properties (such as structural, functional, and spatial information, amino acid conservation, physicochemical variation, residue mobility, and thermodynamic stability) indicates that this missense variant is not expected to disrupt TSC2 protein function with a negative predictive value of 95%. In summary, the available evidence is currently insufficient to determine the role of this variant in disease. Therefore, it has been classified as a Variant of Uncertain Significance.